The following is an entry in ClinVar:

NM_001029883.3(PCARE):c.716del (p.Asp239fs)

Gene: PCARE (photoreceptor cilium actin regulator; minus strand). Cytogenetic location: 2p23.2.
Variant type: Deletion.
Coding change: c.716del on transcript NM_001029883.3 (MANE Select); coding-DNA position 716, one base deleted (A; older notation c.716delA).
Protein change: p.Asp239fs; shifts the reading frame from aspartic acid 239.
Molecular consequence: frameshift variant.
Genome position (GRCh38, 1-based): chr2:29,073,546, T deleted on the plus strand (A on the coding strand, the reverse complement: PCARE is on the minus strand). VCF-style (leftmost placement, unchanged base first): chr2-29073545-AT-A. GRCh37 (hg19) VCF-style: chr2-29296411-AT-A.
Other names: short protein forms D239fs.
Identifiers: ClinVar variation 1455807 (VCV001455807.6), dbSNP rs1667533636, ClinGen allele CA1241014296.

ClinVar aggregate classification (germline): Pathogenic (1 of 4 stars; one submission).

Submission:

Labcorp Genetics (formerly Invitae), Labcorp
Classification: Pathogenic. Last evaluated: 2021-04-15. Review status: criteria provided, single submitter. Criteria: Invitae Variant Classification Sherloc (09022015). Collection method: clinical testing. Allele origin: germline.
Comment: For these reasons, this variant has been classified as Pathogenic. Algorithms developed to predict the effect of sequence changes on RNA splicing suggest that this variant may create or strengthen a splice site, but this prediction has not been confirmed by published transcriptional studies. This variant has not been reported in the literature in individuals with PCARE-related conditions. This variant is not present in population databases (ExAC no frequency). This sequence change creates a premature translational stop signal (p.Asp239Valfs*17) in the PCARE gene. It is expected to result in an absent or disrupted protein product. Loss-of-function variants in PCARE are known to be pathogenic (PMID: 20398886, 24339724, 26496393).

Literature cited by the submitters: PubMed 20398886; PubMed 24339724; PubMed 26496393.